The following is an entry in ClinVar:

NM_000069.3(CACNA1S):c.4680G>T (p.Arg1560=)

Gene: CACNA1S (calcium voltage-gated channel subunit alpha1 S; minus strand). Cytogenetic location: 1q32.1.
Variant type: single nucleotide variant.
Coding change: c.4680G>T on transcript NM_000069.3 (MANE Select); coding-DNA position 4680, G replaced by T.
Protein change: p.Arg1560=; no amino-acid change (arginine 1560 retained).
Molecular consequence: synonymous variant.
Genome position (GRCh38, 1-based): chr1:201,044,445, C>A on the plus strand (G>T on the coding strand, the complement: CACNA1S is on the minus strand). VCF-style: chr1-201044445-C-A. GRCh37 (hg19) VCF-style: chr1-201013573-C-A.
Identifiers: ClinVar variation 4682043 (VCV004682043.5).
Genomic context (GRCh38, chr1:201,044,445, plus strand): 5'-AGCAGCCAGGTCTCCTGAGACCGTGCGACAGATCTCGGGGGCTGCCTCTTCCTCAATGGT[C>A]CGCAGCCCTGCCTGGGGATGACGAAGGGACTCAGTTATCTCTCCAGCCCAGGAGAGGAGA-3'
Protein context (NP_000060.2, residues 1550-1570): KDIVQIQAGL[Arg1560=]TIEEEAAPEI

ClinVar aggregate classification (germline): Likely benign (1 of 4 stars; one submission).

gnomAD v4.1: 1 of 1,612,840 alleles (0.000062%); highest among the groups gnomAD compares: South Asian, 0.0011%; no homozygotes.

Submission:

CeGaT Center for Human Genetics Tuebingen
Classification: Likely benign. Last evaluated: 2025-12-01. Review status: criteria provided, single submitter. Criteria: CeGaT Center For Human Genetics Tuebingen Variant Classification Criteria Version 2. Collection method: clinical testing. Allele origin: germline. Affected: yes. Observed: 1 variant allele.
Comment: CACNA1S: BP4, BP7